The following is an entry in ClinVar:

NM_000064.4(C3):c.2656G>A (p.Val886Ile)

Gene: C3 (complement C3; minus strand). Cytogenetic location: 19p13.3.
Variant type: single nucleotide variant.
Coding change: c.2656G>A on transcript NM_000064.4 (MANE Select); coding-DNA position 2656, G replaced by A.
Protein change: p.Val886Ile; replaces valine 886 with isoleucine.
Molecular consequence: missense variant.
Genome position (GRCh38, 1-based): chr19:6,697,484, C>T on the plus strand (G>A on the coding strand, the complement: C3 is on the minus strand). VCF-style: chr19-6697484-C-T. GRCh37 (hg19) VCF-style: chr19-6697495-C-T.
Other names: short protein forms V886I.
Identifiers: ClinVar variation 2055763 (VCV002055763.5), dbSNP rs149395057, ClinGen allele CA9129009.

ClinVar aggregate classification (germline): Uncertain significance. Review status: criteria provided, multiple submitters, no conflicts (2 of 4 stars). 2 submissions from 2 submitters: Uncertain significance (2). Last evaluated 2024-04-17.

Conditions:
Age related macular degeneration 9. Identifiers: MedGen C1969651, MONDO:0012659, OMIM 611378.
Atypical hemolytic-uremic syndrome with C3 anomaly. Also called: AHUS, SUSCEPTIBILITY TO, 5. Identifiers: Orphanet 2134, MedGen C2752037, MONDO:0013043, OMIM 612925.
Complement component 3 deficiency. Identifiers: Orphanet 280133, MedGen C3151071, MONDO:0013417, OMIM 613779.

Allele frequency attached by ClinVar (database versions not stated): TOPMed below 0.00001; gnomAD exomes 0.00001; ExAC 0.00002; gnomAD 0.00002; 1000 Genomes Project 30x 0.00016; 1000 Genomes Project 0.00020.
gnomAD v4.1: 12 of 1,613,792 alleles (0.00074%); highest among the groups gnomAD compares: East Asian, 0.02%; no homozygotes.

Submissions (2):

Fulgent Genetics
Classification: Uncertain significance for Age related macular degeneration 9; Atypical hemolytic-uremic syndrome with C3 anomaly; Complement component 3 deficiency. Last evaluated: 2024-04-17. Review status: criteria provided, single submitter. Criteria: ACMG Guidelines, 2015. Collection method: clinical testing. Allele origin: germline.

Labcorp Genetics (formerly Invitae), Labcorp
Classification: Uncertain significance. Last evaluated: 2022-04-08. Review status: criteria provided, single submitter. Criteria: Invitae Variant Classification Sherloc (09022015). Collection method: clinical testing. Allele origin: germline.
Comment: In summary, the available evidence is currently insufficient to determine the role of this variant in disease. Therefore, it has been classified as a Variant of Uncertain Significance. Algorithms developed to predict the effect of missense changes on protein structure and function output the following: SIFT: "Tolerated"; PolyPhen-2: "Benign"; Align-GVGD: "Class C0". The isoleucine amino acid residue is found in multiple mammalian species, which suggests that this missense change does not adversely affect protein function. This variant has not been reported in the literature in individuals affected with C3-related conditions. This variant is present in population databases (rs149395057, gnomAD 0.02%). This sequence change replaces valine, which is neutral and non-polar, with isoleucine, which is neutral and non-polar, at codon 886 of the C3 protein (p.Val886Ile).